The following is an entry in ClinVar:

ClinVar aggregate classification (germline): Uncertain significance (1 of 4 stars; one submission).

Conditions:
KMT2D-related disorder. Also called: KMT2D-Related Disorders.

gnomAD v4.1: 8 of 1,613,548 alleles (0.0005%); highest among the groups gnomAD compares: Non-Finnish European, 0.00068%; no homozygotes.

Submission:

PreventionGenetics, part of Exact Sciences
Classification: Uncertain significance for KMT2D-related condition. Last evaluated: 2026-05-05. Review status: criteria provided, single submitter. Criteria: ACMG Guidelines, 2015. Collection method: clinical testing. Allele origin: germline.
Comment: The KMT2D c.10106C>A variant is predicted to result in the amino acid substitution p.Pro3369His. To our knowledge, this variant has not been reported in the literature. This variant is reported in 0.0018% of alleles in individuals of European (Non-Finnish) descent in gnomAD. At this time, the clinical significance of this variant is uncertain due to the absence of conclusive functional and genetic evidence.

NM_003482.4(KMT2D):c.10106C>A (p.Pro3369His)

Gene: KMT2D (lysine methyltransferase 2D; minus strand). Cytogenetic location: 12q13.12.
Variant type: single nucleotide variant.
Coding change: c.10106C>A on transcript NM_003482.4 (MANE Select); coding-DNA position 10106, C replaced by A.
Protein change: p.Pro3369His; replaces proline 3369 with histidine.
Molecular consequence: missense variant.
Genome position (GRCh38, 1-based): chr12:49,037,250, G>T on the plus strand (C>A on the coding strand, the complement: KMT2D is on the minus strand). VCF-style: chr12-49037250-G-T. GRCh37 (hg19) VCF-style: chr12-49431033-G-T.
Other names: short protein forms P3369H.
Identifiers: ClinVar variation 4996248 (VCV004996248.1).